The following is an entry in ClinVar:

NM_000169.3(GLA):c.361G>A (p.Ala121Thr)

Genes: RPL36A-HNRNPH2 (RPL36A-HNRNPH2 readthrough; plus strand), GLA (galactosidase alpha; minus strand). Cytogenetic location: Xq22.1.
Variant type: single nucleotide variant.
Coding change: c.361G>A on transcript NM_000169.3 (MANE Select); coding-DNA position 361, G replaced by A.
Protein change: p.Ala121Thr; replaces alanine 121 with threonine.
Molecular consequence: missense variant. On other transcripts: non-coding transcript variant (3), intron variant (2).
Genome position (GRCh38, 1-based): chrX:101,403,819, C>T on the plus strand (G>A on the coding strand, the complement: GLA is on the minus strand). VCF-style: chrX-101403819-C-T. GRCh37 (hg19) VCF-style: chrX-100658807-C-T.
Other names: c.361G>A (NM_000169.2); c.484G>A, p.Ala162Thr (NM_001406747.1, NM_001406749.1); c.361G>A, p.Ala121Thr (NM_001406748.1); c.301-8117C>T (NM_001199973.2); c.178-8117C>T (NM_001199974.2); short protein forms A121T, A162T.
Identifiers: ClinVar variation 217384 (VCV000217384.11), dbSNP rs782197638, ClinGen allele CA030642.

ClinVar aggregate classification (germline): Uncertain significance. Review status: criteria provided, multiple submitters, no conflicts (2 of 4 stars). 9 submissions from 8 submitters: Uncertain significance (7). 2 of the submissions do not count toward it. Last evaluated 2026-09-08.

Conditions:
Fabry disease. Also called: ALPHA-GALACTOSIDASE A DEFICIENCY; ANDERSON-FABRY DISEASE; Fabry's disease; CERAMIDE TRIHEXOSIDASE DEFICIENCY; GLA DEFICIENCY; HEREDITARY DYSTOPIC LIPIDOSIS. Identifiers: Orphanet 324, MedGen C0002986, MONDO:0010526, OMIM 301500, HP:0001071. Disease mechanism: Fabry disease is due to inactivating mutations in the X-linked GLA gene resulting in deficiency of the enzyme Alpha Galactosidase-A., loss of function.
Migalastat response. Also called: 1-Deoxygalactonojirimycin response; Galafold response. Identifiers: MedGen CN233149.

Allele frequency attached by ClinVar (database versions not stated): gnomAD exomes below 0.00001 and 0.00001; TOPMed below 0.00001; ExAC 0.00001.
gnomAD v4.1: 1 of 1,209,522 alleles (0.000083%); highest among the groups gnomAD compares: Non-Finnish European, 0.00011%; no homozygotes.

Submissions (9):

Genomenon, Inc
Classification: Uncertain significance for Fabry disease. Last evaluated: 2026-09-08. Review status: criteria provided, single submitter. Criteria: Genomenon Sequence Variant Interpretation Standards - Updated. Collection method: curation. Allele origin: germline. Affected: no.
Comment: GLA p.Ala121Thr (c.361G>A) is a missense variant that changes the amino acid at codon 121 from Alanine to Threonine. This variant has been reported in the published literature (PMID:26415523;32023956;27356758). The presence of pathogenic/likely pathogenic missense variant(s) at the same amino acid position indicates that this residue is likely important for protein function. It is absent or not present at a significant frequency in gnomAD. In silico models predict that this variant is possibly or probably damaging. In conclusion, we classify GLA p.Ala121Thr (c.361G>A) as a variant of uncertain significance.

Labcorp Genetics (formerly Invitae), Labcorp
Classification: Uncertain significance for Fabry disease. Last evaluated: 2024-04-13. Review status: criteria provided, single submitter. Criteria: Invitae Variant Classification Sherloc (09022015). Collection method: clinical testing. Allele origin: germline.
Comment: This sequence change replaces alanine, which is neutral and non-polar, with threonine, which is neutral and polar, at codon 121 of the GLA protein (p.Ala121Thr). The frequency data for this variant in the population databases is considered unreliable, as metrics indicate poor data quality at this position in the gnomAD database. This variant has not been reported in the literature in individuals affected with GLA-related conditions. ClinVar contains an entry for this variant (Variation ID: 217384). Advanced modeling of protein sequence and biophysical properties (such as structural, functional, and spatial information, amino acid conservation, physicochemical variation, residue mobility, and thermodynamic stability) performed at Invitae indicates that this missense variant is not expected to disrupt GLA protein function with a negative predictive value of 80%. Experimental studies have shown that this missense change affects GLA function (PMID: 26415523). This variant disrupts the p.Ala121 amino acid residue in GLA. Other variant(s) that disrupt this residue have been determined to be pathogenic (PMID: 15100373; Invitae). This suggests that this residue is clinically significant, and that variants that disrupt this residue are likely to be disease-causing. In summary, the available evidence is currently insufficient to determine the role of this variant in disease. Therefore, it has been classified as a Variant of Uncertain Significance.

Revvity Omics, Revvity
Classification: Uncertain significance. Last evaluated: 2024-04-12. Review status: criteria provided, single submitter. Criteria: ACMG Guidelines, 2015. Collection method: clinical testing. Allele origin: germline.

All of Us Research Program, National Institutes of Health
Classification: Uncertain significance for Fabry disease. Last evaluated: 2023-07-10. Review status: criteria provided, single submitter. Criteria: ACMG Guidelines, 2015. Collection method: clinical testing. Allele origin: germline. Inheritance: X-linked inheritance. Observed: 1 variant allele, 1 heterozygote.
Comment: This missense variant replaces alanine with threonine at codon 121 of the GLA protein. Computational prediction suggests that this variant may have a deleterious impact on protein structure and function (internally defined REVEL score threshold >= 0.7, PMID: 27666373). In-vitro functional studies in transfected HEK293 cells have shown that this variant causes a partial reduction in a-galactosidase activity compared to wild-type (PMID: 26415523, 27657681, 32023956). This variant has been identified in 1/183181 chromosomes in the general population by the Genome Aggregation Database (gnomAD). The available evidence is insufficient to determine the role of this variant in disease conclusively. Therefore, this variant is classified as a Variant of Uncertain Significance.

This study involves interpretation of variants in research participants for the purpose of population health screening. Participant phenotype was not available at the time of variant classification. Additional details can be found in publication PMID: 35346344, PMCID: PMC8962531

GeneDx
Classification: Uncertain significance. Last evaluated: 2022-08-18. Review status: criteria provided, single submitter. Criteria: GeneDx Variant Classification Process June 2021. Collection method: clinical testing. Allele origin: germline. Affected: yes.
Comment: Reported in a patient in published literature but information is limited (Lenders et al., 2016); Not observed at significant frequency in large population cohorts (gnomAD); In silico analysis supports that this missense variant has a deleterious effect on protein structure/function; This variant is associated with the following publications: (PMID: 26415523, 19387866, 26083343, 21598360, 27142856, 27356758, 32023956)

Clinical Genetics Laboratory, Skane University Hospital Lund
Classification: Uncertain significance. Last evaluated: 2022-06-13. Review status: criteria provided, single submitter. Criteria: ACMG Guidelines, 2015. Collection method: clinical testing. Allele origin: germline. Affected: yes.

Broad Center for Mendelian Genomics, Broad Institute of MIT and Harvard
Classification: Uncertain significance for Fabry disease. Last evaluated: 2020-01-22. Review status: criteria provided, single submitter. Criteria: ACMG Guidelines, 2015. Collection method: curation. Allele origin: germline. Inheritance: X-linked inheritance.
Comment: The p.Ala121Thr variant in GLA has been reported in at least 5 individuals with Fabry disease (PMID: 25795794, 27356758, 27356758, 26415523), and has been identified in 0.0012% (1/81687) of European (non-Finnish) chromosomes by the Genome Aggregation Database (gnomAD; dbSNP rs782197638). Although this variant has been seen in the general population, its frequency is low enough to be consistent with Fabry disease. Please note that for diseases with clinical variability, or reduced penetrance, pathogenic variants may be present at a low frequency in the general population. This variant has also been reported in ClinVar as a VUS by the Albrecht-Kossel-Institute (Variation ID: 217384). In vitro functional studies provide some evidence that the p.Ala121Thr variant may slightly impact protein function (PMID:19387866, 21598360, 26415523). However, these types of assays may not accurately represent biological function. Computational prediction tools and conservation analyses suggest that this variant will impact the protein, though this information is not predictive enough to determine pathogenicity. The phenotype of an individual hemizygous for this variant is highly specific for Fabry disease based on the classic phenotype that is consistent with disease (PMID: 26415523, 25795794, 27356758, 26083343). In summary, while there is some suspicion for a pathogenic role, the clinical significance of this variant is uncertain. ACMG/AMP Criteria applied: PM2_supporting, PP3, PP4, PS3_supporting, PS4_supporting (Richards 2015).

X-linked inheritance (primarily recessive with milder female expression)

Albrecht-Kossel-Institute, Medical University Rostock
Classification: Uncertain significance for Fabry's disease. Last evaluated: 2014-01-01. Review status: no assertion criteria provided. Collection method: research. Allele origin: inherited. Not counted in ClinVar's aggregate classification.

Albrecht-Kossel-Institute, Medical University Rostock
Classification: drug response for deoxygalactonojirimycin response. Last evaluated: 2014-01-01. Review status: no assertion criteria provided. Collection method: research. Allele origin: inherited. Not counted in ClinVar's aggregate classification.

Literature cited by the submitters: PubMed 26415523 (cited by 5 submitters); PubMed 32023956 (cited by Genomenon, Inc and All of Us Research Program, National Institutes of Health); PubMed 27356758 (cited by Genomenon, Inc and All of Us Research Program, National Institutes of Health); PubMed 15100373 (cited by Labcorp Genetics (formerly Invitae), Labcorp); PubMed 21598360 (cited by All of Us Research Program, National Institutes of Health); PubMed 25795794 (cited by All of Us Research Program, National Institutes of Health); PubMed 27657681 (cited by All of Us Research Program, National Institutes of Health).